The following is an entry in ClinVar:

ClinVar aggregate classification (germline): Uncertain significance (1 of 4 stars; one submission).

gnomAD v4.1: 12 of 1,606,246 alleles (0.00075%); highest among the groups gnomAD compares: Admixed American, 0.012%; no homozygotes.

Submission:

Dasa
Classification: Uncertain significance. Last evaluated: 2026-01-17. Review status: criteria provided, single submitter. Criteria: DASA Assertion Criteria. Collection method: clinical testing. Allele origin: germline.
Comment: NM_016148.5(SHANK1):c.5738C>T (p.Pro1913Leu) is a missense variant that results in the substitution of proline with leucine. This variant is rare in population databases. The currently available literature and clinical evidence are not sufficient to establish a definitive association between this variant and the reported condition. Therefore, this variant is classified as a variant of uncertain significance.

NM_016148.5(SHANK1):c.5738C>T (p.Pro1913Leu)

Gene: SHANK1 (SH3 and multiple ankyrin repeat domains 1; minus strand). Cytogenetic location: 19q13.33.
Variant type: single nucleotide variant.
Coding change: c.5738C>T on transcript NM_016148.5 (MANE Select); coding-DNA position 5738, C replaced by T.
Protein change: p.Pro1913Leu; replaces proline 1913 with leucine.
Molecular consequence: missense variant.
Genome position (GRCh38, 1-based): chr19:50,666,222, G>A on the plus strand (C>T on the coding strand, the complement: SHANK1 is on the minus strand). VCF-style: chr19-50666222-G-A. GRCh37 (hg19) VCF-style: chr19-51169479-G-A.
Other names: short protein forms P1913L.
Identifiers: ClinVar variation 5020729 (VCV005020729.1).